The following is an entry in ClinVar:

NM_001330691.3(CEP78):c.881del (p.Asn294fs)

Gene: CEP78 (centrosomal protein 78; plus strand). Cytogenetic location: 9q21.2.
Variant type: Deletion.
Coding change: c.881del on transcript NM_001330691.3 (MANE Select); coding-DNA position 881, one base deleted (A; older notation c.881delA).
Protein change: p.Asn294fs; shifts the reading frame from asparagine 294.
Molecular consequence: frameshift variant.
Genome position (GRCh38, 1-based): chr9:78,246,771, A deleted; the last of 6 consecutive A bases (chr9:78,246,766-78,246,771); deleting any one gives the same sequence. VCF-style (leftmost placement, unchanged base first): chr9-78246765-GA-G. GRCh37 (hg19) VCF-style: chr9-80861681-GA-G.
Other names: c.881del, p.Asn294fs (NM_001098802.3, NM_001330693.3, NM_001330694.2 and 4 more transcripts); short protein forms N294fs.
Identifiers: ClinVar variation 1371776 (VCV001371776.6), dbSNP rs767748856, ClinGen allele CA2573144738.

ClinVar aggregate classification (germline): Pathogenic (1 of 4 stars; one submission).

Submission:

Labcorp Genetics (formerly Invitae), Labcorp
Classification: Pathogenic. Last evaluated: 2022-02-23. Review status: criteria provided, single submitter. Criteria: Invitae Variant Classification Sherloc (09022015). Collection method: clinical testing. Allele origin: germline.
Comment: For these reasons, this variant has been classified as Pathogenic. This variant has not been reported in the literature in individuals affected with CEP78-related conditions. This variant is not present in population databases (gnomAD no frequency). This sequence change creates a premature translational stop signal (p.Asn294Ilefs*8) in the CEP78 gene. It is expected to result in an absent or disrupted protein product. Loss-of-function variants in CEP78 are known to be pathogenic (PMID: 27588451, 27588452, 27627988).

Literature cited by the submitters: PubMed 27588451; PubMed 27588452; PubMed 27627988.